The following is an entry in ClinVar:

ClinVar aggregate classification (germline): Uncertain significance. Review status: criteria provided, multiple submitters, no conflicts (2 of 4 stars). 3 submissions from 3 submitters: Uncertain significance (3). Last evaluated 2024-03-04.

Conditions:
Hereditary nonpolyposis colorectal neoplasms. Identifiers: MedGen C0009405, MeSH D003123.
Hereditary cancer-predisposing syndrome. Also called: Neoplastic Syndromes, Hereditary; Tumor predisposition; Hereditary Cancer Syndrome; Hereditary neoplastic syndrome. Identifiers: Orphanet 140162, MedGen C0027672, MeSH D009386, MONDO:0015356.

Allele frequency attached by ClinVar (database versions not stated): gnomAD exomes below 0.00001 and 0.00001; ExAC 0.00002.
gnomAD v4.1: 2 of 1,614,128 alleles (0.00012%); highest among the groups gnomAD compares: South Asian, 0.0022%; no homozygotes.

Submissions (3):

GeneDx
Classification: Uncertain significance. Last evaluated: 2024-03-04. Review status: criteria provided, single submitter. Criteria: GeneDx Variant Classification Process June 2021. Collection method: clinical testing. Allele origin: germline. Affected: yes.
Comment: Not observed at significant frequency in large population cohorts (gnomAD); In silico analysis supports that this missense variant does not alter protein structure/function; Has not been previously published as pathogenic or benign to our knowledge; This variant is associated with the following publications: (PMID: 17531815, 21120944)

Labcorp Genetics (formerly Invitae), Labcorp
Classification: Uncertain significance for Hereditary nonpolyposis colorectal neoplasms. Last evaluated: 2021-12-21. Review status: criteria provided, single submitter. Criteria: Invitae Variant Classification Sherloc (09022015). Collection method: clinical testing. Allele origin: germline.
Comment: In summary, the available evidence is currently insufficient to determine the role of this variant in disease. Therefore, it has been classified as a Variant of Uncertain Significance. Algorithms developed to predict the effect of sequence changes on RNA splicing suggest that this variant may create or strengthen a splice site. Advanced modeling of protein sequence and biophysical properties (such as structural, functional, and spatial information, amino acid conservation, physicochemical variation, residue mobility, and thermodynamic stability) performed at Invitae indicates that this missense variant is not expected to disrupt MSH6 protein function. ClinVar contains an entry for this variant (Variation ID: 186654). This variant has not been reported in the literature in individuals affected with MSH6-related conditions. This variant is present in population databases (rs771925410, gnomAD 0.007%). This sequence change replaces aspartic acid, which is acidic and polar, with glutamic acid, which is acidic and polar, at codon 936 of the MSH6 protein (p.Asp936Glu).

Ambry Genetics
Classification: Uncertain significance for Hereditary cancer-predisposing syndrome. Last evaluated: 2014-10-22. Review status: criteria provided, single submitter. Criteria: Ambry Variant Classification Scheme 2023. Collection method: clinical testing. Allele origin: germline.
Comment: The p.D936E variant (also known as c.2808T>G), located in coding exon 4 of the MSH6 gene, results from a T to G substitution at nucleotide position 2808. The aspartic acid at codon 936 is replaced by glutamic acid, an amino acid with highly similar properties. This variant was not reported in population based cohorts in the following databases: Database of Single Nucleotide Polymorphisms (dbSNP), NHLBI Exome Sequencing Project (ESP), and 1000 Genomes Project. In the ESP, this variant was not observed in 6503 samples (13006 alleles) with coverage at this position. To date, this alteration has been detected with an allele frequency of approximately 0.004% (greater than 24,000 alleles tested) in our clinical cohort. This amino acid position is highly conserved through mammals but not in lower vertebrate species, where glutamic acid is the reference in several fish species. In addition, this alteration is predicted to be tolerated by in silico analysis. Since supporting evidence is limited at this time, the clinical significance of p.D936E remains unclear.

NM_000179.3(MSH6):c.2808T>G (p.Asp936Glu)

Gene: MSH6 (mutS homolog 6; plus strand). Cytogenetic location: 2p16.3.
Variant type: single nucleotide variant.
Coding change: c.2808T>G on transcript NM_000179.3 (MANE Select); coding-DNA position 2808, T replaced by G.
Protein change: p.Asp936Glu; replaces aspartic acid 936 with glutamic acid.
Molecular consequence: missense variant.
Genome position (GRCh38, 1-based): chr2:47,800,791, T>G. VCF-style: chr2-47800791-T-G. GRCh37 (hg19) VCF-style: chr2-48027930-T-G.
Other names: c.2418T>G, p.Asp806Glu (NM_001281492.2); c.1902T>G, p.Asp634Glu (NM_001281493.2, NM_001281494.2); short protein forms D936E, D634E, D806E.
Identifiers: ClinVar variation 186654 (VCV000186654.11), dbSNP rs771925410, ClinGen allele CA010934.